The following is an entry in ClinVar:

ClinVar aggregate classification (germline): Uncertain significance. Review status: criteria provided, multiple submitters, no conflicts (2 of 4 stars). 2 submissions from 2 submitters: Uncertain significance (2). Last evaluated 2025-09-24.

Conditions:
Emery-Dreifuss muscular dystrophy (EDMD). Also called: Scapuloperoneal syndrome, X-linked (formerly); Humeroperoneal neuromuscular disease, (formerly). Identifiers: Orphanet 261, MedGen C0410189, MONDO:0016830.

Allele frequency attached by ClinVar (database versions not stated): ExAC 0.00001; TOPMed 0.00001; gnomAD 0.00002; gnomAD exomes 0.00003.
gnomAD v4.1: 52 of 1,613,700 alleles (0.0032%); highest among the groups gnomAD compares: Non-Finnish European, 0.0044%; no homozygotes.

Submissions (2):

Labcorp Genetics (formerly Invitae), Labcorp
Classification: Uncertain significance for Emery-Dreifuss muscular dystrophy. Last evaluated: 2025-09-24. Review status: criteria provided, single submitter. Criteria: Invitae Variant Classification Sherloc (09022015). Collection method: clinical testing. Allele origin: germline.
Comment: This sequence change replaces cysteine, which is neutral and slightly polar, with tryptophan, which is neutral and slightly polar, at codon 185 of the SUN1 protein (p.Cys185Trp). This variant is present in population databases (rs776947421, gnomAD 0.006%). This variant has not been reported in the literature in individuals affected with SUN1-related conditions. ClinVar contains an entry for this variant (Variation ID: 1485094). An algorithm developed to predict the effect of missense changes on protein structure and function (PolyPhen-2) suggests that this variant is likely to be disruptive. In summary, the available evidence is currently insufficient to determine the role of this variant in disease. Therefore, it has been classified as a Variant of Uncertain Significance.

Ambry Genetics
Classification: Uncertain significance. Last evaluated: 2025-06-08. Review status: criteria provided, single submitter. Criteria: Ambry Variant Classification Scheme 2023. Collection method: clinical testing. Allele origin: germline.

NM_001130965.3(SUN1):c.555C>G (p.Cys185Trp)

Gene: SUN1 (Sad1 and UNC84 domain containing 1; plus strand). Cytogenetic location: 7p22.3.
Variant type: single nucleotide variant.
Coding change: c.555C>G on transcript NM_001130965.3 (MANE Select); coding-DNA position 555, C replaced by G.
Protein change: p.Cys185Trp; replaces cysteine 185 with tryptophan.
Molecular consequence: missense variant. On other transcripts: 5 prime UTR variant (3), non-coding transcript variant (3), intron variant (1).
Genome position (GRCh38, 1-based): chr7:843,417, C>G. VCF-style: chr7-843417-C-G. GRCh37 (hg19) VCF-style: chr7-883054-C-G.
Other names: c.405C>G, p.Cys135Trp (NM_001367679.1, NM_001367680.1, NM_001367681.1 and 23 more transcripts); c.555C>G, p.Cys185Trp (NM_001367682.1, NM_001367683.1, NM_001367685.1 and 32 more transcripts); c.618C>G, p.Cys206Trp (NM_001171945.2); c.98C>G, p.Ala33Gly (NM_001367635.1); c.-13C>G (NM_001367639.1, NM_001367708.1); c.774C>G, p.Cys258Trp (NM_001367651.1); c.-207C>G (NM_001367658.1); c.582C>G, p.Cys194Trp (NM_001367669.1); and 3 more; short protein forms C135W, C258W, A33G, C122W, C185W, C194W, C206W.
Identifiers: ClinVar variation 1485094 (VCV001485094.8), dbSNP rs776947421, ClinGen allele CA4111595.
Genomic context (GRCh38, chr7:843,417, plus strand): 5'-CATTCAGGGAAACGGGGATGTGGGAGCCGCCGCCGCCACCGCGCACAACGGCTTCTCCTG[C>G]AGCAACTGCAGCATGCTGTCCGAGCGCAAGGACGTGCTCACGGCGCACCCCGCGGCCCCC-3'
Protein context (NP_001124437.1, residues 175-195): AAATAHNGFS[Cys185Trp]SNCSMLSERK